The following is an entry in ClinVar:

NM_000719.7(CACNA1C):c.2663+3G>A

Gene: CACNA1C (calcium voltage-gated channel subunit alpha1 C; plus strand). Cytogenetic location: 12p13.33.
Variant type: single nucleotide variant.
Coding change: c.2663+3G>A on transcript NM_000719.7 (MANE Select); 3 bases into the intron after coding-DNA position 2663, G replaced by A.
Molecular consequence: intron variant.
Genome position (GRCh38, 1-based): chr12:2,593,348, G>A. VCF-style: chr12-2593348-G-A. GRCh37 (hg19) VCF-style: chr12-2702514-G-A.
Other names: c.2663+3G>A (NM_001167624.3, NM_001167623.2, NM_001167625.2 and 18 more transcripts); c.2654+3G>A (NM_001129844.2).
Identifiers: ClinVar variation 2807702 (VCV002807702.3), dbSNP rs1434768914, ClinGen allele CA602712488.
Genomic context (GRCh38, chr12:2,593,348, plus strand): 5'-AAAAGGCAGTGCCCATGCCAGAAGCCAGCGCGTTTTTCATCTTCAGCTCTAACAACAGGT[G>A]TGCAGCAATGGTGGGGAAGGTGGGGTCCTGCTCTCTCTAGTACCAGCCTGGCAGTTGCCT-3'

ClinVar aggregate classification (germline): Uncertain significance (1 of 4 stars; one submission).

Conditions:
Long QT syndrome (LQTS). Identifiers: MedGen C0023976, MeSH D008133, MONDO:0002442. Disease mechanism: loss of function. Inheritance: Various modes of inheritance.

Allele frequency attached by ClinVar (database versions not stated): gnomAD exomes below 0.00001.
gnomAD v4.1: 2 of 1,613,612 alleles (0.00012%); highest among the groups gnomAD compares: African/African-American, 0.0027%; no homozygotes.

Submission:

Labcorp Genetics (formerly Invitae), Labcorp
Classification: Uncertain significance for Long QT syndrome. Last evaluated: 2025-11-01. Review status: criteria provided, single submitter. Criteria: Invitae Variant Classification Sherloc (09022015). Collection method: clinical testing. Allele origin: germline.
Comment: This sequence change falls in intron 19 of the CACNA1C gene. It does not directly change the encoded amino acid sequence of the CACNA1C protein. It affects a nucleotide within the consensus splice site. The frequency data for this variant in the population databases is considered unreliable, as metrics indicate poor data quality at this position in the gnomAD database. This variant has not been reported in the literature in individuals affected with CACNA1C-related conditions. ClinVar contains an entry for this variant (Variation ID: 2807702). Variants that disrupt the consensus splice site are a relatively common cause of aberrant splicing (PMID: 17576681, 9536098). Algorithms developed to predict the effect of sequence changes on RNA splicing suggest that this variant is not likely to affect RNA splicing. In summary, the available evidence is currently insufficient to determine the role of this variant in disease. Therefore, it has been classified as a Variant of Uncertain Significance.

Literature cited by the submitters: PubMed 17576681; PubMed 9536098.